The following is an entry in ClinVar:

NM_000245.4(MET):c.331G>A (p.Val111Ile)

Gene: MET (MET proto-oncogene, receptor tyrosine kinase; plus strand). Cytogenetic location: 7q31.2.
Variant type: single nucleotide variant.
Coding change: c.331G>A on transcript NM_000245.4 (MANE Select); coding-DNA position 331, G replaced by A.
Protein change: p.Val111Ile; replaces valine 111 with isoleucine.
Molecular consequence: missense variant. On other transcripts: intron variant (1).
Genome position (GRCh38, 1-based): chr7:116,699,415, G>A. VCF-style: chr7-116699415-G-A. GRCh37 (hg19) VCF-style: chr7-116339469-G-A.
Other names: c.331G>A, p.Val111Ile (NM_001127500.3, NM_001324401.3); c.-91+26838G>A (NM_001324402.2); c.331G>A (NM_001127500.2); short protein forms V111I.
Identifiers: ClinVar variation 651873 (VCV000651873.15), dbSNP rs368750834, ClinGen allele CA4447977.

ClinVar aggregate classification (germline): Conflicting classifications of pathogenicity. Review status: criteria provided, conflicting classifications (1 of 4 stars). 4 submissions from 4 submitters: Uncertain significance (3); Likely benign (1). Last evaluated 2026-01-04.

Conditions:
Hereditary cancer-predisposing syndrome. Also called: Neoplastic Syndromes, Hereditary; Tumor predisposition; Hereditary Cancer Syndrome; Hereditary neoplastic syndrome. Identifiers: Orphanet 140162, MedGen C0027672, MeSH D009386, MONDO:0015356.
Renal cell carcinoma. Identifiers: Orphanet 217071, MedGen C0007134, MeSH D002292, MONDO:0005086, HP:0005584.

Allele frequency attached by ClinVar (database versions not stated): ExAC 0.00001; gnomAD 0.00001; gnomAD exomes 0.00001; ESP Exome Variant Server 0.00008.
gnomAD v4.1: 17 of 1,613,912 alleles (0.0011%); highest among the groups gnomAD compares: African/African-American, 0.0013%; no homozygotes.

Submissions (4):

Labcorp Genetics (formerly Invitae), Labcorp
Classification: Uncertain significance for Renal cell carcinoma. Last evaluated: 2026-01-04. Review status: criteria provided, single submitter. Criteria: Invitae Variant Classification Sherloc (09022015). Collection method: clinical testing. Allele origin: germline.
Comment: This sequence change replaces valine, which is neutral and non-polar, with isoleucine, which is neutral and non-polar, at codon 111 of the MET protein (p.Val111Ile). This variant is present in population databases (rs368750834, gnomAD 0.002%). This variant has not been reported in the literature in individuals affected with MET-related conditions. ClinVar contains an entry for this variant (Variation ID: 651873). An algorithm developed to predict the effect of missense changes on protein structure and function outputs the following: PolyPhen-2: "Benign". The isoleucine amino acid residue is found in multiple mammalian species, which suggests that this missense change does not adversely affect protein function. In summary, the available evidence is currently insufficient to determine the role of this variant in disease. Therefore, it has been classified as a Variant of Uncertain Significance.

Quest Diagnostics Nichols Institute San Juan Capistrano
Classification: Uncertain significance. Last evaluated: 2024-05-07. Review status: criteria provided, single submitter. Criteria: Quest Diagnostics criteria. Collection method: clinical testing. Allele origin: unknown.

Sema4
Classification: Uncertain significance for Hereditary cancer-predisposing syndrome. Last evaluated: 2021-06-03. Review status: criteria provided, single submitter. Criteria: Sema4 Curation Guidelines. Collection method: curation. Allele origin: germline.
Comment: The MET c.331G>A (p.V111I) variant has not been reported in the literature to our knowledge. This variant was observed in 3/128454 chromosomes in the Non-Finnish European subpopulation of the Genome Aggregation Database (PMID: 32461654). This variant has been reported in ClinVar (Variation ID 207613). In silico tools suggest the impact of the variant on protein function is benign, though these predictions have not been confirmed by functional studies. The overall evidence is insufficient to meet ACMG/AMP criteria for classifying it as benign or pathogenic. In summary, the clinical significance of this variant is currently uncertain.

Ambry Genetics
Classification: Likely benign for Hereditary cancer-predisposing syndrome. Last evaluated: 2019-06-25. Review status: criteria provided, single submitter. Criteria: Ambry Variant Classification Scheme 2023. Collection method: clinical testing. Allele origin: germline.